The following is an entry in ClinVar:

ClinVar aggregate classification (germline): Uncertain significance (1 of 4 stars; one submission).

gnomAD v4.1: 6 of 1,613,514 alleles (0.00037%); highest among the groups gnomAD compares: Admixed American, 0.0067%; no homozygotes.

Submission:

Labcorp Genetics (formerly Invitae), Labcorp
Classification: Uncertain significance. Last evaluated: 2025-05-22. Review status: criteria provided, single submitter. Criteria: Invitae Variant Classification Sherloc (09022015). Collection method: clinical testing. Allele origin: germline.
Comment: This sequence change replaces glycine, which is neutral and non-polar, with aspartic acid, which is acidic and polar, at codon 2005 of the DCHS1 protein (p.Gly2005Asp). This variant is present in population databases (rs777488867, gnomAD 0.009%). This variant has not been reported in the literature in individuals affected with DCHS1-related conditions. Invitae Evidence Modeling of protein sequence and biophysical properties (such as structural, functional, and spatial information, amino acid conservation, physicochemical variation, residue mobility, and thermodynamic stability) indicates that this missense variant is not expected to disrupt DCHS1 protein function with a negative predictive value of 80%. In summary, the available evidence is currently insufficient to determine the role of this variant in disease. Therefore, it has been classified as a Variant of Uncertain Significance.

NM_003737.4(DCHS1):c.6014G>A (p.Gly2005Asp)

Gene: DCHS1 (dachsous cadherin-related 1; minus strand). Cytogenetic location: 11p15.4.
Variant type: single nucleotide variant.
Coding change: c.6014G>A on transcript NM_003737.4 (MANE Select); coding-DNA position 6014, G replaced by A.
Protein change: p.Gly2005Asp; replaces glycine 2005 with aspartic acid.
Molecular consequence: missense variant.
Genome position (GRCh38, 1-based): chr11:6,627,025, C>T on the plus strand (G>A on the coding strand, the complement: DCHS1 is on the minus strand). VCF-style: chr11-6627025-C-T. GRCh37 (hg19) VCF-style: chr11-6648256-C-T.
Other names: short protein forms G2005D.
Identifiers: ClinVar variation 4708941 (VCV004708941.1).